The following is an entry in ClinVar:

NM_001042517.2(DIAPH3):c.1369T>C (p.Tyr457His)

Gene: DIAPH3 (diaphanous related formin 3; minus strand). Cytogenetic location: 13q21.2.
Variant type: single nucleotide variant.
Coding change: c.1369T>C on transcript NM_001042517.2 (MANE Select); coding-DNA position 1369, T replaced by C.
Protein change: p.Tyr457His; replaces tyrosine 457 with histidine.
Molecular consequence: missense variant.
Genome position (GRCh38, 1-based): chr13:59,983,880, A>G on the plus strand (T>C on the coding strand, the complement: DIAPH3 is on the minus strand). VCF-style: chr13-59983880-A-G. GRCh37 (hg19) VCF-style: chr13-60558014-A-G.
Other names: c.1336T>C, p.Tyr446His (NM_001258366.2); c.1231T>C, p.Tyr411His (NM_001258367.2); c.1159T>C, p.Tyr387His (NM_001258368.2); c.1369T>C, p.Tyr457His (NM_001258369.2); c.580T>C, p.Tyr194His (NM_001258370.2, NM_030932.4); short protein forms Y446H, Y387H, Y411H, Y194H, Y457H.
Identifiers: ClinVar variation 4701243 (VCV004701243.1).

ClinVar aggregate classification (germline): Uncertain significance (1 of 4 stars; one submission).

gnomAD v4.1: 3 of 1,595,410 alleles (0.00019%); highest among the groups gnomAD compares: Admixed American, 0.005%; no homozygotes.

Submission:

Labcorp Genetics (formerly Invitae), Labcorp
Classification: Uncertain significance. Last evaluated: 2026-01-21. Review status: criteria provided, single submitter. Criteria: Invitae Variant Classification Sherloc (09022015). Collection method: clinical testing. Allele origin: germline.
Comment: This sequence change replaces tyrosine, which is neutral and polar, with histidine, which is basic and polar, at codon 457 of the DIAPH3 protein (p.Tyr457His). This variant is present in population databases (rs761257432, gnomAD 0.006%). This variant has not been reported in the literature in individuals affected with DIAPH3-related conditions. An algorithm developed to predict the effect of missense changes on protein structure and function (PolyPhen-2) suggests that this variant is likely to be disruptive. In summary, the available evidence is currently insufficient to determine the role of this variant in disease. Therefore, it has been classified as a Variant of Uncertain Significance.